The following is an entry in ClinVar:

NM_181426.2(CCDC39):c.2226C>A (p.Tyr742Ter)

Gene: CCDC39 (coiled-coil domain 39 molecular ruler complex subunit; minus strand). Cytogenetic location: 3q26.33.
Variant type: single nucleotide variant.
Coding change: c.2226C>A on transcript NM_181426.2 (MANE Select); coding-DNA position 2226, C replaced by A.
Protein change: p.Tyr742Ter; replaces tyrosine 742 with a stop codon.
Molecular consequence: nonsense.
Genome position (GRCh38, 1-based): chr3:180,619,298, G>T on the plus strand (C>A on the coding strand, the complement: CCDC39 is on the minus strand). VCF-style: chr3-180619298-G-T. GRCh37 (hg19) VCF-style: chr3-180337086-G-T.
Other names: short protein forms Y742*.
Identifiers: ClinVar variation 419341 (VCV000419341.10), dbSNP rs772219642, ClinGen allele CA16617854.

ClinVar aggregate classification (germline): Pathogenic/Likely pathogenic. Review status: criteria provided, multiple submitters, no conflicts (2 of 4 stars). 5 submissions from 5 submitters: Pathogenic (4); Likely pathogenic (1). Last evaluated 2024-02-01.

Conditions:
Primary ciliary dyskinesia 14. Also called: CILIARY DYSKINESIA, PRIMARY, 14, WITH OR WITHOUT SITUS INVERSUS. Identifiers: Orphanet 244, MedGen C3151136, MONDO:0013434, OMIM 613807.
Primary ciliary dyskinesia. Also called: Ciliary dyskinesia. Identifiers: Orphanet 244, MedGen C0008780, MONDO:0016575, HP:0012265.

Allele frequency attached by ClinVar (database versions not stated): gnomAD exomes 0.00001; TOPMed 0.00001.
gnomAD v4.1: 14 of 1,546,026 alleles (0.00091%); highest among the groups gnomAD compares: Non-Finnish European, 0.0011%; no homozygotes.

Submissions (5):

Labcorp Genetics (formerly Invitae), Labcorp
Classification: Pathogenic for Primary ciliary dyskinesia. Last evaluated: 2024-02-01. Review status: criteria provided, single submitter. Criteria: Invitae Variant Classification Sherloc (09022015). Collection method: clinical testing. Allele origin: germline.
Comment: This sequence change creates a premature translational stop signal (p.Tyr742*) in the CCDC39 gene. It is expected to result in an absent or disrupted protein product. Loss-of-function variants in CCDC39 are known to be pathogenic (PMID: 21131972, 23255504). This variant is not present in population databases (gnomAD no frequency). This variant has not been reported in the literature in individuals affected with CCDC39-related conditions. ClinVar contains an entry for this variant (Variation ID: 419341). For these reasons, this variant has been classified as Pathogenic.

Fulgent Genetics
Classification: Likely pathogenic for Primary ciliary dyskinesia 14. Last evaluated: 2022-04-12. Review status: criteria provided, single submitter. Criteria: ACMG Guidelines, 2015. Collection method: clinical testing. Allele origin: unknown.

Eurofins Ntd Llc (ga)
Classification: Pathogenic. Last evaluated: 2016-12-15. Review status: criteria provided, single submitter. Criteria: EGL Classification Definitions 2015. Collection method: clinical testing. Allele origin: germline. Observed: 1 variant allele, 1 heterozygote.

GeneDx
Classification: Pathogenic. Last evaluated: 2015-07-16. Review status: criteria provided, single submitter. Criteria: GeneDx Variant Classification (06012015). Collection method: clinical testing. Allele origin: germline. Affected: yes.
Comment: The Y742X variant in the CCDC39 gene has not been reported previously as a pathogenic variantnor as a benign polymorphism, to our knowledge. This variant is predicted to cause loss of normal proteinfunction either through protein truncation or nonsense-mediated mRNA decay. The Y742X variant wasnot observed in approximately 5,800 individuals of European and African American ancestry in the NHLBIExome Sequencing Project, indicating it is not a common benign variant in these populations. We interpretY742X as a pathogenic variant.

Biology Pathology Center, Lille University Hospital
Classification: Pathogenic for Primary ciliary dyskinesia 14. Review status: criteria provided, single submitter. Criteria: ACMG Guidelines, 2015. Collection method: clinical testing. Allele origin: maternal. Inheritance: Autosomal recessive inheritance. Affected: yes. Observed: 2 variant alleles, 1 heterozygote, 1 compound heterozygote.

Literature cited by the submitters: PubMed 21131972 (cited by Labcorp Genetics (formerly Invitae), Labcorp); PubMed 23255504 (cited by Labcorp Genetics (formerly Invitae), Labcorp).